The following is an entry in ClinVar:

ClinVar aggregate classification (germline): Conflicting classifications of pathogenicity. Review status: criteria provided, conflicting classifications (1 of 4 stars). 4 submissions from 4 submitters: Uncertain significance (3); Likely benign (1). Last evaluated 2025-09-08.

Conditions:
FLNB-Related Spectrum Disorders.
FLNB-related disorder. Also called: FLNB-related condition; FLNB-related disorders. Identifiers: MedGen CN381095.
Spondylocarpotarsal synostosis syndrome (SCT). Also called: Spondylocarpotarsal Synostosis Syndrome (FLNB-SCT); VERTEBRAL FUSION WITH CARPAL COALITION; Synspondylism congenital; Scoliosis, congenital with unilateral unsegmented bar; SPONDYLOCARPOTARSAL SYNDROME. Identifiers: Orphanet 3275, MedGen C1848934, MONDO:0010094, OMIM 272460.

Allele frequency attached by ClinVar (database versions not stated): gnomAD 0.00001; TOPMed 0.00004; ExAC 0.00005.
gnomAD v4.1: 42 of 1,614,034 alleles (0.0026%); highest among the groups gnomAD compares: East Asian, 0.027%; no homozygotes.

Submissions (4):

Labcorp Genetics (formerly Invitae), Labcorp
Classification: Likely benign. Last evaluated: 2025-09-08. Review status: criteria provided, single submitter. Criteria: Invitae Variant Classification Sherloc (09022015). Collection method: clinical testing. Allele origin: germline.

3billion
Classification: Uncertain significance for Spondylocarpotarsal synostosis syndrome. Last evaluated: 2025-08-28. Review status: criteria provided, single submitter. Criteria: ACMG Guidelines, 2015. Collection method: clinical testing. Allele origin: germline. Affected: yes.
Comment: The variant is observed at an extremely low frequency in the gnomAD v4.1.0 dataset (total allele frequency: 0.003%). Predicted Consequence/Location: Missense variant Damaging effect on gene or gene product predicted by in silico programs is uncertain [3Cnet: 0.55 (damaging >0.75, benign <0.1)]. The same nucleotide change resulting in the same amino acid change has been previously reported to be associated with FLNB-related disorder (PMID: 34557487). However, the evidence of pathogenicity is insufficient at this time. Therefore, this variant is classified as VUS according to the recommendation of ACMG/AMP guideline.

PreventionGenetics, part of Exact Sciences
Classification: Uncertain significance for FLNB-related condition. Last evaluated: 2025-01-02. Review status: criteria provided, single submitter. Criteria: ACMG Guidelines, 2015. Collection method: clinical testing. Allele origin: germline.
Comment: The FLNB c.865G>A variant is predicted to result in the amino acid substitution p.Val289Met. This variant has been reported in the de novo state in an individual with short stature and joint dysplasia (Table S1, ID GSD0628, Lv et al. 2021. PubMed ID: 34557487). Of note, in that case the c.865G>A (p.Val289Met) variant was reported as likely pathogenic. This variant is reported in 0.035% of alleles in individuals of East Asian descent in gnomAD. At this time, the clinical significance of this variant is uncertain due to the absence of conclusive functional and genetic evidence.

Illumina Laboratory Services, Illumina
Classification: Uncertain significance for FLNB-Related Spectrum Disorders. Last evaluated: 2018-01-13. Review status: criteria provided, single submitter. Criteria: ICSL Variant Classification Criteria 13 December 2019. Collection method: clinical testing. Allele origin: germline.

Literature cited by the submitters: PubMed 34557487 (cited by 3billion).

NM_001457.4(FLNB):c.865G>A (p.Val289Met)

Gene: FLNB (filamin B; plus strand). Cytogenetic location: 3p14.3.
Variant type: single nucleotide variant.
Coding change: c.865G>A on transcript NM_001457.4 (MANE Select); coding-DNA position 865, G replaced by A.
Protein change: p.Val289Met; replaces valine 289 with methionine.
Molecular consequence: missense variant.
Genome position (GRCh38, 1-based): chr3:58,094,913, G>A. VCF-style: chr3-58094913-G-A. GRCh37 (hg19) VCF-style: chr3-58080640-G-A.
Other names: c.865G>A, p.Val289Met (NM_001164317.2, NM_001164318.2, NM_001164319.2); short protein forms V289M.
Identifiers: ClinVar variation 346307 (VCV000346307.8), dbSNP rs764368324, ClinGen allele CA2467650.